The following is an entry in ClinVar:

NM_002691.4(POLD1):c.1093G>C (p.Gly365Arg)

Gene: POLD1 (DNA polymerase delta 1, catalytic subunit; plus strand). Cytogenetic location: 19q13.33.
Variant type: single nucleotide variant.
Coding change: c.1093G>C on transcript NM_002691.4 (MANE Select); coding-DNA position 1093, G replaced by C.
Protein change: p.Gly365Arg; replaces glycine 365 with arginine.
Molecular consequence: missense variant. On other transcripts: non-coding transcript variant (1).
Genome position (GRCh38, 1-based): chr19:50,403,175, G>C. VCF-style: chr19-50403175-G-C. GRCh37 (hg19) VCF-style: chr19-50906432-G-C.
Other names: c.1093G>C, p.Gly365Arg (NM_001256849.1, NM_001308632.1, NM_001438210.1 and 3 more transcripts); short protein forms G365R.
Identifiers: ClinVar variation 4669006 (VCV004669006.1).

ClinVar aggregate classification (germline): Uncertain significance (1 of 4 stars; one submission).

Conditions:
Hereditary cancer-predisposing syndrome. Also called: Neoplastic Syndromes, Hereditary; Tumor predisposition; Hereditary Cancer Syndrome; Hereditary neoplastic syndrome. Identifiers: Orphanet 140162, MedGen C0027672, MeSH D009386, MONDO:0015356.

Submission:

Ambry Genetics
Classification: Uncertain significance for Hereditary cancer-predisposing syndrome. Last evaluated: 2025-10-01. Review status: criteria provided, single submitter. Criteria: Ambry Variant Classification Scheme 2023. Collection method: clinical testing. Allele origin: germline.
Comment: The p.G365R variant (also known as c.1093G>C), located in coding exon 8 of the POLD1 gene, results from a G to C substitution at nucleotide position 1093. The glycine at codon 365 is replaced by arginine, an amino acid with dissimilar properties. This amino acid position is conserved. In addition, the in silico prediction for this alteration is inconclusive. Based on the available evidence, the clinical significance of this variant remains unclear.